The following is an entry in ClinVar:

ClinVar aggregate classification (germline): Likely pathogenic (1 of 4 stars; one submission).

gnomAD v4.1: 3 of 1,610,238 alleles (0.00019%); highest among the groups gnomAD compares: Non-Finnish European, 0.00026%; no homozygotes.

Submission:

GeneDx
Classification: Likely pathogenic. Last evaluated: 2024-09-26. Review status: criteria provided, single submitter. Criteria: GeneDx Variant Classification Process June 2021. Collection method: clinical testing. Allele origin: germline. Affected: yes.
Comment: Canonical splice site variant predicted to result in an in-frame loss of the adjacent exon in a gene for which loss of function is a known mechanism of disease; Not observed at significant frequency in large population cohorts (gnomAD); Has not been previously published as pathogenic or benign to our knowledge

NM_012208.4(HARS2):c.634-2A>C

Gene: HARS2 (histidyl-tRNA synthetase 2, mitochondrial; plus strand). Cytogenetic location: 5q31.3.
Variant type: single nucleotide variant.
Coding change: c.634-2A>C on transcript NM_012208.4 (MANE Select); the canonical splice acceptor site of the intron before coding-DNA position 634, A replaced by C.
Molecular consequence: splice acceptor variant.
Genome position (GRCh38, 1-based): chr5:140,696,101, A>C. VCF-style: chr5-140696101-A-C. GRCh37 (hg19) VCF-style: chr5-140075686-A-C.
Other names: c.202-2A>C (NM_001278732.2); c.652-2A>C (NM_001363535.2); c.559-2A>C (NM_001278731.2); c.424-2A>C (NM_001363536.2).
Identifiers: ClinVar variation 3774952 (VCV003774952.1).
Genomic context (GRCh38, chr5:140,696,101, plus strand): 5'-TGCCATTGTTTTGAGTGGAAGGGCATTGACAAGCACTTGGGTCACTGACATTGAGTTCTC[A>C]GGTAAATGACCGGCGGATTGTGGATGGGATGTTTGCTGTCTGTGGTGTTCCTGAAAGCAA-3'